The following is an entry in ClinVar:

ClinVar aggregate classification (germline): Uncertain significance (1 of 4 stars; one submission).

Conditions:
Inborn genetic diseases. Identifiers: MedGen C0950123, MeSH D030342.

Allele frequency attached by ClinVar (database versions not stated): gnomAD exomes below 0.00001; ExAC 0.00002; gnomAD 0.00004; 1000 Genomes Project 0.00020; 1000 Genomes Project 30x 0.00031.
gnomAD v4.1: 13 of 1,614,204 alleles (0.00081%); highest among the groups gnomAD compares: African/African-American, 0.011%; no homozygotes.

Submission:

Ambry Genetics
Classification: Uncertain significance for Inborn genetic diseases. Last evaluated: 2022-08-15. Review status: criteria provided, single submitter. Criteria: Ambry Variant Classification Scheme 2023. Collection method: clinical testing. Allele origin: germline.
Comment: The p.C1398F variant (also known as c.4193G>T), located in coding exon 8 of the SETX gene, results from a G to T substitution at nucleotide position 4193. The cysteine at codon 1398 is replaced by phenylalanine, an amino acid with highly dissimilar properties. This amino acid position is conserved. In addition, this alteration is predicted to be tolerated by in silico analysis. Since supporting evidence is limited at this time, the clinical significance of this alteration remains unclear.

NM_015046.7(SETX):c.4193G>T (p.Cys1398Phe)

Gene: SETX (senataxin; minus strand). Cytogenetic location: 9q34.13.
Variant type: single nucleotide variant.
Coding change: c.4193G>T on transcript NM_015046.7 (MANE Select); coding-DNA position 4193, G replaced by T.
Protein change: p.Cys1398Phe; replaces cysteine 1398 with phenylalanine.
Molecular consequence: missense variant.
Genome position (GRCh38, 1-based): chr9:132,327,405, C>A on the plus strand (G>T on the coding strand, the complement: SETX is on the minus strand). VCF-style: chr9-132327405-C-A. GRCh37 (hg19) VCF-style: chr9-135202792-C-A.
Other names: c.4193G>T, p.Cys1398Phe (NM_001351527.2, NM_001351528.2); short protein forms C1398F.
Identifiers: ClinVar variation 1738588 (VCV001738588.2), dbSNP rs539469701, ClinGen allele CA5297252.